The following is an entry in ClinVar:

ClinVar aggregate classification (germline): Likely pathogenic (1 of 4 stars; one submission).

Conditions:
Bardet-Biedl syndrome 12 (BBS12). Identifiers: Orphanet 110, MedGen C1859570, MONDO:0014440, OMIM 615989.

Submission:

Institute for Medical Genetics and Human Genetics, Charité - Universitätsmedizin Berlin
Classification: Likely pathogenic for Bardet-Biedl syndrome 12. Last evaluated: 2026-04-27. Review status: criteria provided, single submitter. Criteria: ACMG Guidelines, 2015. Collection method: clinical testing. Allele origin: germline. Affected: yes.
Comment: Homozygous ~1 kb deletion in BBS12 affecting the 5'UTR, the exon 1/intron 1 boundary, and proximal intron 1. Quantitative PCR in patient fibroblasts showed severe reduction of BBS12 transcript abundance. Absent from gnomAD v4.1. ACMG/AMP 2015: PS3, PM2_supporting, PP4 → Likely pathogenic.

NM_152618.3(BBS12):c.-125_-11+924del

Genes: BBS12 (Bardet-Biedl syndrome 12; plus strand), LOC129993043 (ATAC-STARR-seq lymphoblastoid active region 21875; plus strand). Cytogenetic location: 4q27.
Variant type: Deletion.
Coding change: c.-125_-11+924del on transcript NM_152618.3 (MANE Select); 125 bases upstream of the start codon through 924 bases into the intron after 11 bases upstream of the start codon, 1,039 bases deleted.
Molecular consequence: splice donor variant.
Genome position (GRCh38, 1-based): chr4:122,732,770-122,733,808, 1,039 bases deleted. GRCh37 (hg19): chr4:123,653,925-123,654,963.
Other names: c.-313_-198-96del (NM_001178007.2).
Identifiers: ClinVar variation 4845409 (VCV004845409.1).